The following is an entry in ClinVar:

ClinVar aggregate classification (germline): Likely benign (1 of 4 stars; one submission).

Conditions:
PLXNA2-related disorder. Also called: PLXNA2-related condition.

gnomAD v4.1: 10 of 1,613,524 alleles (0.00062%); highest among the groups gnomAD compares: Non-Finnish European, 0.00085%; no homozygotes.

Submission:

PreventionGenetics, part of Exact Sciences
Classification: Likely benign for PLXNA2-related condition. Last evaluated: 2026-03-28. Review status: criteria provided, single submitter. Criteria: ACMG Guidelines, 2015. Collection method: clinical testing. Allele origin: germline.
Comment: This variant is classified as likely benign based on ACMG/AMP sequence variant interpretation guidelines (Richards et al. 2015 PMID: 25741868, with internal and published modifications).

NM_025179.4(PLXNA2):c.5499C>A (p.Leu1833=)

Gene: PLXNA2 (plexin A2; minus strand). Cytogenetic location: 1q32.2.
Variant type: single nucleotide variant.
Coding change: c.5499C>A on transcript NM_025179.4 (MANE Select); coding-DNA position 5499, C replaced by A.
Protein change: p.Leu1833=; no amino-acid change (leucine 1833 retained).
Molecular consequence: synonymous variant.
Genome position (GRCh38, 1-based): chr1:208,028,099, G>T on the plus strand (C>A on the coding strand, the complement: PLXNA2 is on the minus strand). VCF-style: chr1-208028099-G-T. GRCh37 (hg19) VCF-style: chr1-208201444-G-T.
Identifiers: ClinVar variation 4989549 (VCV004989549.1).